The following is an entry in ClinVar:

ClinVar aggregate classification (germline): Likely pathogenic. Review status: criteria provided, single submitter (1 of 4 stars). 2 submissions from 2 submitters: Likely pathogenic (1). 1 of the submissions does not count toward it. Last evaluated 2023-11-08.

Conditions:
Propionic acidemia (PROP). Also called: GLYCINEMIA, KETOTIC; HYPERGLYCINEMIA WITH KETOACIDOSIS AND LEUKOPENIA; KETOTIC HYPERGLYCINEMIA. Identifiers: Orphanet 35, MedGen C0268579, MONDO:0011628, OMIM 606054, HP:0003571.

Allele frequency attached by ClinVar (database versions not stated): gnomAD exomes below 0.00001.
gnomAD v4.1: 1 of 1,474,188 alleles (0.000068%); no homozygotes.

Submissions (2):

Labcorp Genetics (formerly Invitae), Labcorp
Classification: Likely pathogenic for Propionic acidemia. Last evaluated: 2023-11-08. Review status: criteria provided, single submitter. Criteria: Invitae Variant Classification Sherloc (09022015). Collection method: clinical testing. Allele origin: germline.
Comment: This sequence change affects a donor splice site in intron 17 of the PCCA gene. It is expected to disrupt RNA splicing. Variants that disrupt the donor or acceptor splice site typically lead to a loss of protein function (PMID: 16199547), and loss-of-function variants in PCCA are known to be pathogenic (PMID: 15464417). This variant is not present in population databases (gnomAD no frequency). This variant has not been reported in the literature in individuals affected with PCCA-related conditions. ClinVar contains an entry for this variant (Variation ID: 554305). Algorithms developed to predict the effect of sequence changes on RNA splicing suggest that this variant may disrupt the consensus splice site. In summary, the currently available evidence indicates that the variant is pathogenic, but additional data are needed to prove that conclusively. Therefore, this variant has been classified as Likely Pathogenic.

Counsyl
Classification: Likely pathogenic for Propionic acidemia. Last evaluated: 2017-10-23. Review status: no assertion criteria provided. Collection method: clinical testing. Allele origin: unknown. Not counted in ClinVar's aggregate classification.

Literature cited by the submitters: PubMed 16199547 (cited by Labcorp Genetics (formerly Invitae), Labcorp); PubMed 15464417 (cited by Labcorp Genetics (formerly Invitae), Labcorp).

NM_000282.4(PCCA):c.1540+2T>A

Gene: PCCA (propionyl-CoA carboxylase subunit alpha; plus strand). Cytogenetic location: 13q32.3.
Variant type: single nucleotide variant.
Coding change: c.1540+2T>A on transcript NM_000282.4 (MANE Select); the canonical splice donor site of the intron after coding-DNA position 1540, T replaced by A.
Molecular consequence: splice donor variant.
Genome position (GRCh38, 1-based): chr13:100,330,673, T>A. VCF-style: chr13-100330673-T-A. GRCh37 (hg19) VCF-style: chr13-100982927-T-A.
Other names: c.1540+2T>A (NM_001178004.2, NM_001352605.2, NM_001352609.2); c.1396+2T>A (NM_001352606.2); c.595+2T>A (NM_001352610.2, NM_001352611.2); c.451+2T>A (NM_001352612.2); c.1462+2T>A (NM_001127692.3, NM_001352607.2); c.1318+2T>A (NM_001352608.2).
Identifiers: ClinVar variation 554305 (VCV000554305.5), dbSNP rs1555422449, ClinGen allele CA388696282.